The following is an entry in ClinVar:

NM_032485.6(MCM8):c.925C>T (p.Arg309Ter)

Gene: MCM8 (minichromosome maintenance 8 homologous recombination repair factor; plus strand). Cytogenetic location: 20p12.3.
Variant type: single nucleotide variant.
Coding change: c.925C>T on transcript NM_032485.6 (MANE Select); coding-DNA position 925, C replaced by T.
Protein change: p.Arg309Ter; replaces arginine 309 with a stop codon.
Molecular consequence: nonsense.
Genome position (GRCh38, 1-based): chr20:5,967,485, C>T. VCF-style: chr20-5967485-C-T. GRCh37 (hg19) VCF-style: chr20-5948131-C-T.
Other names: c.925C>T, p.Arg309Ter (NM_001281520.2, NM_001281521.2, NM_001281522.2 and 1 more transcripts); short protein forms R309*.
Identifiers: ClinVar variation 812137 (VCV000812137.1), dbSNP rs201115244, ClinGen allele CA9756635.
Genomic context (GRCh38, chr20:5,967,485, plus strand): 5'-AAACTTTTTAGAATCCAGGAATTGATGTCTGATGATCAGAGAGAAGCAGGTCGGATTCCA[C>T]GAACAATAGAATGTGAGCTTGTTCATGATCTTGTGGATAGCTGTGTCCCGGGAGACACAG-3'

ClinVar aggregate classification (germline): Pathogenic (1 of 4 stars; one submission).

Conditions:
Premature ovarian failure 10 (POF10). Identifiers: MedGen C4225402, MONDO:0044776, OMIM 612885.

Allele frequency attached by ClinVar (database versions not stated): gnomAD exomes below 0.00001 and 0.00001; TOPMed below 0.00001; ExAC 0.00001; gnomAD 0.00001.
gnomAD v4.1: 7 of 1,613,770 alleles (0.00043%); highest among the groups gnomAD compares: Non-Finnish European, 0.00059%; no homozygotes.

Submission:

Lupski Lab, Baylor-Hopkins CMG, Baylor College of Medicine
Classification: Pathogenic for Premature ovarian failure 10. Last evaluated: 2019-04-22. Review status: criteria provided, single submitter. Criteria: Jolly et al. (J Clin Endocrinol Metab. 2019). Collection method: research. Allele origin: inherited, unknown. Inheritance: Autosomal recessive inheritance. Affected: yes and no. Observed: 4 variant alleles, 2 heterozygotes, 2 homozygotes. Clinical features observed: Hypergonadotropic hypogonadism (HP:0000815), Short stature (HP:0004322).